The following is an entry in ClinVar:

NM_001170629.2(CHD8):c.6271_6272delinsGT (p.Ser2091Val)

Gene: CHD8 (chromodomain helicase DNA binding protein 8; minus strand). Cytogenetic location: 14q11.2.
Variant type: Indel.
Coding change: c.6271_6272delinsGT on transcript NM_001170629.2 (MANE Select); coding-DNA positions 6271 to 6272, TC replaced by GT.
Protein change: p.Ser2091Val; replaces serine 2091 with valine.
Molecular consequence: missense variant.
Genome position (GRCh38, 1-based): chr14:21,393,523-21,393,524, GA replaced by AC on the plus strand (TC replaced by GT on the coding strand, the reverse complement: CHD8 is on the minus strand). VCF-style: chr14-21393523-GA-AC. GRCh37 (hg19) VCF-style: chr14-21861682-GA-AC.
Other names: c.5434_5435delinsGT, p.Ser1812Val (NM_020920.4); short protein forms S2091V, S1812V.
Identifiers: ClinVar variation 3652685 (VCV003652685.2).

ClinVar aggregate classification (germline): Uncertain significance (1 of 4 stars; one submission).

Submission:

Labcorp Genetics (formerly Invitae), Labcorp
Classification: Uncertain significance. Last evaluated: 2024-05-08. Review status: criteria provided, single submitter. Criteria: Invitae Variant Classification Sherloc (09022015). Collection method: clinical testing. Allele origin: germline.
Comment: This sequence change replaces serine, which is neutral and polar, with valine, which is neutral and non-polar, at codon 2091 of the CHD8 protein (p.Ser2091Val). Information on the frequency of this variant in the gnomAD database is not available, as this variant may be reported differently in the database. This variant has not been reported in the literature in individuals affected with CHD8-related conditions. An algorithm developed to predict the effect of missense changes on protein structure and function (PolyPhen-2) suggests that this variant is likely to be tolerated. In summary, the available evidence is currently insufficient to determine the role of this variant in disease. Therefore, it has been classified as a Variant of Uncertain Significance.